The following is an entry in ClinVar:

NM_000218.3(KCNQ1):c.1469A>G (p.Asp490Gly)

Genes: KCNQ1 (potassium voltage-gated channel subfamily Q member 1; plus strand), KCNQ1OT1 (KCNQ1 opposite strand/antisense transcript 1; minus strand). Cytogenetic location: 11p15.5.
Variant type: single nucleotide variant.
Coding change: c.1469A>G on transcript NM_000218.3 (MANE Select); coding-DNA position 1469, A replaced by G.
Protein change: p.Asp490Gly; replaces aspartic acid 490 with glycine.
Molecular consequence: missense variant.
Genome position (GRCh38, 1-based): chr11:2,662,036, A>G. VCF-style: chr11-2662036-A-G. GRCh37 (hg19) VCF-style: chr11-2683266-A-G.
Other names: c.1373A>G, p.Asp458Gly (NM_001406836.1); c.1199A>G, p.Asp400Gly (NM_001406837.1); c.929A>G, p.Asp310Gly (NM_001406838.1); c.1088A>G, p.Asp363Gly (NM_181798.2); short protein forms D490G, D363G, D458G, D310G, D400G.
Identifiers: ClinVar variation 922460 (VCV000922460.24), dbSNP rs1849967564, ClinGen allele CA379479666.

ClinVar aggregate classification (germline): Uncertain significance. Review status: criteria provided, multiple submitters, no conflicts (2 of 4 stars). 4 submissions from 4 submitters: Uncertain significance (4). Last evaluated 2024-11-01.

Conditions:
Cardiac arrhythmia. Also called: Cardiac rhythm disease; Arrhythmia. Identifiers: MedGen C0003811, MONDO:0007263, HP:0011675.
Long QT syndrome (LQTS). Identifiers: MedGen C0023976, MeSH D008133, MONDO:0002442. Disease mechanism: loss of function. Inheritance: Various modes of inheritance.

Allele frequency attached by ClinVar (database versions not stated): gnomAD exomes below 0.00001.
gnomAD v4.1: 2 of 1,614,188 alleles (0.00012%); highest among the groups gnomAD compares: Middle Eastern, 0.016%; no homozygotes.

Submissions (4):

CeGaT Center for Human Genetics Tuebingen
Classification: Uncertain significance. Last evaluated: 2024-11-01. Review status: criteria provided, single submitter. Criteria: CeGaT Center For Human Genetics Tuebingen Variant Classification Criteria Version 2. Collection method: clinical testing. Allele origin: germline. Affected: yes. Observed: 1 variant allele.

All of Us Research Program, National Institutes of Health
Classification: Uncertain significance for Long QT syndrome. Last evaluated: 2024-08-06. Review status: criteria provided, single submitter. Criteria: ACMG Guidelines, 2015. Collection method: clinical testing. Allele origin: germline. Inheritance: Autosomal dominant inheritance. Observed: 1 variant allele, 1 heterozygote.
Comment: This missense variant replaces aspartic acid with glycine at codon 490 of the KCNQ1 protein. Computational prediction tools and conservation analyses are inconclusive regarding the impact of this variant on protein structure and function. Splice site prediction tools suggest that this variant may not impact RNA splicing. To our knowledge, functional studies have not been performed for this variant. This variant has not been reported in individuals affected with cardiovascular disorders in the literature. This variant has not been identified in the general population by the Genome Aggregation Database (gnomAD). The available evidence is insufficient to determine the role of this variant in disease conclusively. Therefore, this variant is classified as a Variant of Uncertain Significance.

This study involves interpretation of variants in research participants for the purpose of population health screening. Participant phenotype was not available at the time of variant classification. Additional details can be found in publication PMID: 35346344, PMCID: PMC8962531

GeneDx
Classification: Uncertain significance. Last evaluated: 2024-02-09. Review status: criteria provided, single submitter. Criteria: GeneDx Variant Classification Process June 2021. Collection method: clinical testing. Allele origin: germline. Affected: yes.
Comment: Not observed at significant frequency in large population cohorts (gnomAD); In silico analysis supports that this missense variant has a deleterious effect on protein structure/function; Has not been previously published as pathogenic or benign to our knowledge

Color Diagnostics, LLC DBA Color Health
Classification: Uncertain significance for Cardiac arrhythmia. Last evaluated: 2023-11-20. Review status: criteria provided, single submitter. Criteria: ACMG Guidelines, 2015. Collection method: clinical testing. Allele origin: germline.
Comment: This missense variant replaces aspartic acid with glycine at codon 490 of the KCNQ1 protein. Computational prediction suggests that this variant may have deleterious impact on protein structure and function (internally defined REVEL score threshold >= 0.7, PMID: 27666373). This variant is found within a highly conserved C-terminus region (a.a. 392-508). Rare non-truncating variants in this region have been shown to be significantly overrepresented in individuals with long QT syndrome (PMID: 32893267). To our knowledge, functional studies have not been reported for this variant. This variant has not been reported in individuals affected with KCNQ1-related disorders in the literature. This variant has not been identified in the general population by the Genome Aggregation Database (gnomAD). The available evidence is insufficient to determine the role of this variant in disease conclusively. Therefore, this variant is classified as a Variant of Uncertain Significance.

Literature cited by the submitters: PubMed 32893267 (cited by Color Diagnostics, LLC DBA Color Health).